The following is an entry in ClinVar:

ClinVar aggregate classification (germline): Conflicting classifications of pathogenicity. Review status: criteria provided, conflicting classifications (1 of 4 stars). 12 submissions from 9 submitters: Uncertain significance (2); Benign (6); Likely benign (4). Last evaluated 2026-07-01.

Conditions:
Dyskeratosis congenita, autosomal dominant 2. Identifiers: MedGen C3151443, MONDO:0013521, OMIM 613989.
Idiopathic Pulmonary Fibrosis. Also called: Idiopathic fibrosing alveolitis, chronic form; idiopathic fibrosing alveolitis. Identifiers: Orphanet 2032, MedGen C1800706, MeSH D054990, MONDO:0800504.
Melanoma, cutaneous malignant, susceptibility to, 9. Also called: Cutaneous malignant melanoma 9. Identifiers: Orphanet 618, MedGen C3554574, MONDO:0014056, OMIM 615134.
Pulmonary fibrosis and/or bone marrow failure, Telomere-related, 1. Also called: PULMONARY FIBROSIS AND/OR BONE MARROW FAILURE SYNDROME, TELOMERE-RELATED, 1. Identifiers: Orphanet 88, MedGen C3553617, MONDO:0013878, OMIM 614742.
Dyskeratosis congenita. Identifiers: Orphanet 1775, MedGen C0265965, MONDO:0015780.
Acute myeloid leukemia (AML). Also called: Acute myeloid leukemia, adult; AML adult; Acute non-lymphocytic leukemia; Acute granulocytic leukemia; Leukemia, acute myeloid, somatic; Leukemia, acute myelogenous, somatic. Identifiers: Orphanet 519, MedGen C0023467, MeSH D015470, MONDO:0018874, OMIM 601626, HP:0004808. Disease mechanism: Constitutively activated FLT3.
Aplastic anemia. Identifiers: Orphanet 182040, Orphanet 88, MedGen C0002874, MONDO:0015909, OMIM 609135, HP:0001915.

Allele frequency attached by ClinVar (database versions not stated): 1000 Genomes Project 30x 0.00016; 1000 Genomes Project 0.00020; gnomAD 0.00083 and 0.00086; TOPMed 0.00089; gnomAD exomes 0.00106 and 0.00129; ESP Exome Variant Server 0.00115; ExAC 0.00138.
gnomAD v4.1: 1,742 of 1,613,780 alleles (0.11%); highest among the groups gnomAD compares: Middle Eastern, 0.31%; 11 homozygotes.

Submissions (12):

CeGaT Center for Human Genetics Tuebingen
Classification: Likely benign. Last evaluated: 2026-07-01. Review status: criteria provided, single submitter. Criteria: CeGaT Center For Human Genetics Tuebingen Variant Classification Criteria Version 2. Collection method: clinical testing. Allele origin: germline. Affected: yes. Observed: 9 variant alleles.
Comment: TERT: BP4, BP7

Labcorp Genetics (formerly Invitae), Labcorp
Classification: Benign for Dyskeratosis congenita, autosomal dominant 2; Idiopathic Pulmonary Fibrosis. Last evaluated: 2026-02-02. Review status: criteria provided, single submitter. Criteria: Invitae Variant Classification Sherloc (09022015). Collection method: clinical testing. Allele origin: germline.

KCCC/NGS Laboratory, Kuwait Cancer Control Center
Classification: Benign for Melanoma, cutaneous malignant, susceptibility to, 9. Last evaluated: 2025-02-01. Review status: criteria provided, single submitter. Criteria: ACMG Guidelines, 2015. Collection method: clinical testing. Allele origin: germline. Affected: no.

Blueprint Genetics
Classification: Likely benign. Last evaluated: 2024-11-08. Review status: criteria provided, single submitter. Criteria: ACMG Guidelines, 2015. Collection method: clinical testing. Allele origin: germline.

KCCC/NGS Laboratory, Kuwait Cancer Control Center
Classification: Benign for Acute myeloid leukemia. Last evaluated: 2023-07-07. Review status: criteria provided, single submitter. Criteria: ACMG Guidelines, 2015. Collection method: clinical testing. Allele origin: germline. Affected: yes.

GeneDx
Classification: Likely benign. Last evaluated: 2021-08-04. Review status: criteria provided, single submitter. Criteria: GeneDx Variant Classification Process June 2021. Collection method: clinical testing. Allele origin: germline. Affected: yes.

Ambry Genetics
Classification: Benign for Dyskeratosis congenita. Last evaluated: 2020-12-07. Review status: criteria provided, single submitter. Criteria: Ambry Variant Classification Scheme 2023. Collection method: clinical testing. Allele origin: germline.

Genetic Services Laboratory, University of Chicago
Classification: Benign. Last evaluated: 2018-03-28. Review status: criteria provided, single submitter. Criteria: ACMG Guidelines, 2015. Collection method: clinical testing. Allele origin: germline. Affected: no.

Illumina Laboratory Services, Illumina
Classification: Benign for Pulmonary fibrosis and/or bone marrow failure, Telomere-related, 1. Last evaluated: 2018-01-13. Review status: criteria provided, single submitter. Criteria: ICSL Variant Classification Criteria 13 December 2019. Collection method: clinical testing. Allele origin: germline.
Comment: This variant was observed in the ICSL laboratory as part of a predisposition screen in an ostensibly healthy population. It had not been previously curated by ICSL or reported in the Human Gene Mutation Database (HGMD: prior to June 1st, 2018), and was therefore a candidate for classification through an automated scoring system. Utilizing variant allele frequency, disease prevalence and penetrance estimates, and inheritance mode, an automated score was calculated to assess if this variant is too frequent to cause the disease. Based on the score and internal cut-off values, a variant classified as benign is not then subjected to further curation. The score for this variant resulted in a classification of benign for this disease.

Illumina Laboratory Services, Illumina
Classification: Uncertain significance for Dyskeratosis congenita, autosomal dominant 2. Last evaluated: 2018-01-13. Review status: criteria provided, single submitter. Criteria: ICSL Variant Classification Criteria 13 December 2019. Collection method: clinical testing. Allele origin: germline.

Illumina Laboratory Services, Illumina
Classification: Uncertain significance for Aplastic anemia. Last evaluated: 2018-01-13. Review status: criteria provided, single submitter. Criteria: ICSL Variant Classification Criteria 13 December 2019. Collection method: clinical testing. Allele origin: germline.

PreventionGenetics, part of Exact Sciences
Classification: Likely benign. Review status: criteria provided, single submitter. Criteria: ACMG Guidelines, 2015. Collection method: clinical testing. Allele origin: germline.

NM_198253.3(TERT):c.1849C>T (p.Leu617=)

Gene: TERT (telomerase reverse transcriptase; minus strand). Cytogenetic location: 5p15.33.
Variant type: single nucleotide variant.
Coding change: c.1849C>T on transcript NM_198253.3 (MANE Select); coding-DNA position 1849, C replaced by T.
Protein change: p.Leu617=; no amino-acid change (leucine 617 retained).
Molecular consequence: synonymous variant. On other transcripts: non-coding transcript variant (2).
Genome position (GRCh38, 1-based): chr5:1,280,259, G>A on the plus strand (C>T on the coding strand, the complement: TERT is on the minus strand). VCF-style: chr5-1280259-G-A. GRCh37 (hg19) VCF-style: chr5-1280374-G-A.
Other names: c.1849C>T, p.Leu617= (NM_001193376.3).
Identifiers: ClinVar variation 263104 (VCV000263104.62), dbSNP rs140951453, ClinGen allele CA3184742.